The following is an entry in ClinVar:

ClinVar aggregate classification (germline): Likely pathogenic (1 of 4 stars; one submission).

Conditions:
Inborn genetic diseases. Identifiers: MedGen C0950123, MeSH D030342.

Submission:

Ambry Genetics
Classification: Likely pathogenic for Inborn genetic diseases. Last evaluated: 2026-02-24. Review status: criteria provided, single submitter. Criteria: Ambry Variant Classification Scheme 2023. Collection method: clinical testing. Allele origin: germline.
Comment: The c.911-17A>G intronic alteration consists of a A to G substitution 17 nucleotides before coding exon 9 in the HDAC8 gene. This variant was not reported in population-based cohorts in the Genome Aggregation Database (gnomAD). This nucleotide position is highly conserved in available vertebrate species. In silico splice site analysis predicts that this alteration will weaken the native splice acceptor site and will result in the creation or strengthening of a novel splice acceptor site. Based on the available evidence, this alteration is classified as likely pathogenic.

NM_018486.3(HDAC8):c.911-17A>G

Gene: HDAC8 (histone deacetylase 8; minus strand). Cytogenetic location: Xq13.1.
Variant type: single nucleotide variant.
Coding change: c.911-17A>G on transcript NM_018486.3 (MANE Select); 17 bases into the intron before coding-DNA position 911, A replaced by G.
Molecular consequence: intron variant.
Genome position (GRCh38, 1-based): chrX:72,462,115, T>C on the plus strand (A>G on the coding strand, the complement: HDAC8 is on the minus strand). VCF-style: chrX-72462115-T-C. GRCh37 (hg19) VCF-style: chrX-71681965-T-C.
Other names: c.638-17A>G (NM_001166418.2, NM_001410728.1); c.611-17A>G (NM_001441234.1); c.833-17A>G (NM_001410727.1); c.911-17A>G (NM_001410725.1); c.911-13A>G (NM_001410729.1).
Identifiers: ClinVar variation 4839835 (VCV004839835.1).